The following is an entry in ClinVar:

NM_000051.4(ATM):c.2500G>A (p.Glu834Lys)

Gene: ATM (ATM serine/threonine kinase; plus strand). Cytogenetic location: 11q22.3.
Variant type: single nucleotide variant.
Coding change: c.2500G>A on transcript NM_000051.4 (MANE Select); coding-DNA position 2500, G replaced by A.
Protein change: p.Glu834Lys; replaces glutamic acid 834 with lysine.
Molecular consequence: missense variant.
Genome position (GRCh38, 1-based): chr11:108,267,204, G>A. VCF-style: chr11-108267204-G-A. GRCh37 (hg19) VCF-style: chr11-108137931-G-A.
Other names: c.2500G>A, p.Glu834Lys (NM_001351834.2); short protein forms E834K.
Identifiers: ClinVar variation 821379 (VCV000821379.4), dbSNP rs876660430, ClinGen allele CA382543305.
Genomic context (GRCh38, chr11:108,267,204, plus strand): 5'-GAACATCTTTGTTTCTCTTCCTTGAAGGCATCCTTCATCAAAAAGCCATTTGACCGTGGA[G>A]AAGTAGAATCAATGGAAGATGATACTAATGGAAATCTAATGGAGGTGGAGGATCAGTCAT-3'
Protein context (NP_000042.3, residues 824-844): SFIKKPFDRG[Glu834Lys]VESMEDDTNG

ClinVar aggregate classification (germline): Uncertain significance (1 of 4 stars; one submission).

Conditions:
Hereditary cancer-predisposing syndrome. Also called: Neoplastic Syndromes, Hereditary; Tumor predisposition; Hereditary Cancer Syndrome; Hereditary neoplastic syndrome. Identifiers: Orphanet 140162, MedGen C0027672, MeSH D009386, MONDO:0015356.

Submission:

Ambry Genetics
Classification: Uncertain significance for Hereditary cancer-predisposing syndrome. Last evaluated: 2018-07-06. Review status: criteria provided, single submitter. Criteria: Ambry Variant Classification Scheme 2023. Collection method: clinical testing. Allele origin: germline.
Comment: The p.E834K variant (also known as c.2500G>A), located in coding exon 16 of the ATM gene, results from a G to A substitution at nucleotide position 2500. The glutamic acid at codon 834 is replaced by lysine, an amino acid with similar properties. This amino acid position is well conserved in available vertebrate species. In addition, this alteration is predicted to be tolerated by in silico analysis. Since supporting evidence is limited at this time, the clinical significance of this alteration remains unclear.